The following is an entry in ClinVar:

NM_017739.4(POMGNT1):c.1264A>C (p.Ile422Leu)

Genes: POMGNT1 (protein O-linked mannose N-acetylglucosaminyltransferase 1 (beta 1,2-); minus strand), TSPAN1 (tetraspanin 1; plus strand). Cytogenetic location: 1p34.1.
Variant type: single nucleotide variant.
Coding change: c.1264A>C on transcript NM_017739.4 (MANE Select); coding-DNA position 1264, A replaced by C.
Protein change: p.Ile422Leu; replaces isoleucine 422 with leucine.
Molecular consequence: missense variant.
Genome position (GRCh38, 1-based): chr1:46,192,538, T>G on the plus strand (A>C on the coding strand, the complement: POMGNT1 is on the minus strand). VCF-style: chr1-46192538-T-G. GRCh37 (hg19) VCF-style: chr1-46658210-T-G.
Other names: c.1264A>C, p.Ile422Leu (NM_001243766.2, NM_001410783.1); c.1198A>C, p.Ile400Leu (NM_001290129.3); c.835A>C, p.Ile279Leu (NM_001290130.2); short protein forms I422L, I279L, I400L.
Identifiers: ClinVar variation 499672 (VCV000499672.13), dbSNP rs1553163234, ClinGen allele CA340176494.

ClinVar aggregate classification (germline): Uncertain significance. Review status: criteria provided, multiple submitters, no conflicts (2 of 4 stars). 3 submissions from 3 submitters: Uncertain significance (3). Last evaluated 2021-08-24.

Conditions:
Autosomal recessive limb-girdle muscular dystrophy type 2O. Also called: Limb-Girdle Muscular Dystrophy Type 3C; MUSCULAR DYSTROPHY-DYSTROGLYCANOPATHY (LIMB-GIRDLE), TYPE C, 3; MUSCULAR DYSTROPHY-DYSTROGLYCANOPATHY, LIMB-GIRDLE, POMGNT1-RELATED. Identifiers: Orphanet 206564, MedGen C3150417, MONDO:0013161, OMIM 613157.
Muscular dystrophy-dystroglycanopathy (congenital with impaired intellectual development), type B, 3. Also called: Muscular dystrophy-dystroglycanopathy (congenital with intellectual disability), type B3; MUSCULAR DYSTROPHY, CONGENITAL, POMGNT1-RELATED. Identifiers: MedGen C3150412, MONDO:0013155, OMIM 613151.

Submissions (3):

Labcorp Genetics (formerly Invitae), Labcorp
Classification: Uncertain significance for Autosomal recessive limb-girdle muscular dystrophy type 2O; Muscular dystrophy-dystroglycanopathy (congenital with impaired intellectual development), type B, 3. Last evaluated: 2021-08-24. Review status: criteria provided, single submitter. Criteria: Invitae Variant Classification Sherloc (09022015). Collection method: clinical testing. Allele origin: germline.
Comment: This sequence change replaces isoleucine with leucine at codon 422 of the POMGNT1 protein (p.Ile422Leu). The isoleucine residue is highly conserved and there is a small physicochemical difference between isoleucine and leucine. This variant is not present in population databases (ExAC no frequency). This variant has not been reported in the literature in individuals affected with POMGNT1-related conditions. ClinVar contains an entry for this variant (Variation ID: 499672). Advanced modeling of protein sequence and biophysical properties (such as structural, functional, and spatial information, amino acid conservation, physicochemical variation, residue mobility, and thermodynamic stability) performed at Invitae indicates that this missense variant is not expected to disrupt POMGNT1 protein function. In summary, the available evidence is currently insufficient to determine the role of this variant in disease. Therefore, it has been classified as a Variant of Uncertain Significance.

Revvity Omics, Revvity
Classification: Uncertain significance. Last evaluated: 2020-07-21. Review status: criteria provided, single submitter. Criteria: ACMG Guidelines, 2015. Collection method: clinical testing. Allele origin: germline.

Eurofins Ntd Llc (ga)
Classification: Uncertain significance. Last evaluated: 2017-01-09. Review status: criteria provided, single submitter. Criteria: EGL Classification Definitions 2015. Collection method: clinical testing. Allele origin: germline. Observed: 1 variant allele, 1 heterozygote.